The following is an entry in ClinVar:

NM_001128227.3(GNE):c.-3G>A

Gene: GNE (glucosamine (UDP-N-acetyl)-2-epimerase/N-acetylmannosamine kinase; minus strand). Cytogenetic location: 9p13.3.
Variant type: single nucleotide variant.
Coding change: c.-3G>A on transcript NM_001128227.3 (MANE Plus Clinical); 3 bases upstream of the start codon, G replaced by A.
Molecular consequence: 5 prime UTR variant.
Genome position (GRCh38, 1-based): chr9:36,276,947, C>T on the plus strand (G>A on the coding strand, the complement: GNE is on the minus strand). VCF-style: chr9-36276947-C-T. GRCh37 (hg19) VCF-style: chr9-36276944-C-T.
Other names: p.?; c.-67G>A (NM_001190388.2).
Identifiers: ClinVar variation 502447 (VCV000502447.10), dbSNP rs368762704, ClinGen allele CA5056836.
Genomic context (GRCh38, chr9:36,276,947, plus strand): 5'-TACTTACATGAGGTCCTTGAAAGCATGACTCCCTCTGCAGATAACCATAGGTTTCCATCC[C>T]GAAGCACGAGCTCTGTACCCTAGTGTGGTTTGAAATAATGAGCAGAGCAGCTGTTTTCTT-3'

ClinVar aggregate classification (germline): Conflicting classifications of pathogenicity. Review status: criteria provided, conflicting classifications (1 of 4 stars). 3 submissions from 3 submitters: Uncertain significance (2); Likely benign (1). Last evaluated 2025-08-12.

Allele frequency attached by ClinVar (database versions not stated): gnomAD 0.00010; ESP Exome Variant Server 0.00019; gnomAD exomes 0.00007; ExAC 0.00006; TOPMed 0.00008.

Submissions (3):

Mayo Clinic Laboratories, Mayo Clinic
Classification: Likely benign. Last evaluated: 2025-08-12. Review status: criteria provided, single submitter. Criteria: ACMG Guidelines, 2015. Collection method: clinical testing. Allele origin: germline. Observed: 3 variant alleles.
Comment: BP4, BP7

Revvity Omics, Revvity
Classification: Uncertain significance. Last evaluated: 2023-06-27. Review status: criteria provided, single submitter. Criteria: ACMG Guidelines, 2015. Collection method: clinical testing. Allele origin: germline.

Eurofins Ntd Llc (ga)
Classification: Uncertain significance. Last evaluated: 2017-06-15. Review status: criteria provided, single submitter. Criteria: EGL Classification Definitions 2015. Collection method: clinical testing. Allele origin: germline. Observed: 1 variant allele, 1 heterozygote.